The following is an entry in ClinVar:

NC_000003.12:g.169765054G>A

Genes: TERC (telomerase RNA component; minus strand), LOC110806306 (telomerase RNA component (TERC) promoter; plus strand). Cytogenetic location: 3q26.2.
Variant type: single nucleotide variant.
Genome position: GRCh38 VCF-style: chr3-169765054-G-A. GRCh37 (hg19) VCF-style: chr3-169482842-G-A.
Identifiers: ClinVar variation 2101604 (VCV002101604.4), dbSNP rs781517281, ClinGen allele CA2696833.
Genomic context (GRCh38, chr3:169,765,054, plus strand): 5'-CGCCCTTCTCAGTTAGGGTTAGACAAAAAATGGCCACCACCCCTCCCAGGCCCACCCTCC[G>A]CAACCCGGTGCGCTGCCGGGCGAGTCGGCTTATAAAGGGAGCGGCCGCCGACCGCACGGA-3'

ClinVar aggregate classification (germline): Uncertain significance (1 of 4 stars; one submission).

Conditions:
Dyskeratosis congenita, autosomal dominant 1 (DKCA1). Also called: Dyskeratosis congenita Scoggins type. Identifiers: Orphanet 1775, MedGen C4551974, MONDO:0007485, OMIM 127550. Inheritance: Variable.

Allele frequency attached by ClinVar (database versions not stated): TOPMed below 0.00001; ExAC 0.00001.
gnomAD v4.1: 4 of 764,380 alleles (0.00052%); highest among the groups gnomAD compares: African/African-American, 0.0034%; no homozygotes.

Submission:

Labcorp Genetics (formerly Invitae), Labcorp
Classification: Uncertain significance for Dyskeratosis congenita, autosomal dominant 1. Last evaluated: 2021-12-30. Review status: criteria provided, single submitter. Criteria: Invitae Variant Classification Sherloc (09022015). Collection method: clinical testing. Allele origin: germline.
Comment: In summary, the available evidence is currently insufficient to determine the role of this variant in disease. Therefore, it has been classified as a Variant of Uncertain Significance. This variant is located at the 5’ end of the TERC RNA component (PMID: 15082312, 21844345). The functional significance of this region is not well understood. This variant has not been reported in the literature in individuals affected with TERC-related conditions. The frequency data for this variant in the population databases is considered unreliable, as metrics indicate poor data quality at this position in the gnomAD database. This variant occurs in the TERC gene, which encodes an RNA molecule that does not result in a protein product.

Literature cited by the submitters: PubMed 15082312; PubMed 21844345.